The following is an entry in ClinVar:

NM_005228.5(EGFR):c.2583G>A (p.Leu861=)

Gene: EGFR (epidermal growth factor receptor; plus strand). Cytogenetic location: 7p11.2.
Variant type: single nucleotide variant.
Coding change: c.2583G>A on transcript NM_005228.5 (MANE Select); coding-DNA position 2583, G replaced by A.
Protein change: p.Leu861=; no amino-acid change (leucine 861 retained).
Molecular consequence: synonymous variant.
Genome position (GRCh38, 1-based): chr7:55,191,832, G>A. VCF-style: chr7-55191832-G-A. GRCh37 (hg19) VCF-style: chr7-55259525-G-A.
Other names: c.2448G>A, p.Leu816= (NM_001346897.2, NM_001346899.2); c.2583G>A, p.Leu861= (NM_001346898.2); c.2424G>A, p.Leu808= (NM_001346900.2); c.1782G>A, p.Leu594= (NM_001346941.2).
Identifiers: ClinVar variation 2190558 (VCV002190558.6), dbSNP rs1252912476, ClinGen allele CA454965654.

ClinVar aggregate classification (germline): Benign/Likely benign. Review status: criteria provided, multiple submitters, no conflicts (2 of 4 stars). 3 submissions from 3 submitters: Benign (1); Likely benign (2). Last evaluated 2025-02-02.

Conditions:
EGFR-related lung cancer (EGFR). Identifiers: MedGen CN130014.
Lung cancer. Also called: Malignant tumor of lung; Lung cancer, somatic. Identifiers: MedGen C0242379, MONDO:0008903, OMIM 211980.
Hereditary cancer-predisposing syndrome. Also called: Hereditary Cancer Syndrome; Tumor predisposition; Hereditary neoplastic syndrome; Neoplastic Syndromes, Hereditary. Identifiers: Orphanet 140162, MedGen C0027672, MeSH D009386, MONDO:0015356.

Allele frequency attached by ClinVar (database versions not stated): TOPMed below 0.00001; gnomAD 0.00001.
gnomAD v4.1: 26 of 1,613,994 alleles (0.0016%); highest among the groups gnomAD compares: Non-Finnish European, 0.0022%; no homozygotes.

Submissions (3):

Ambry Genetics
Classification: Likely benign for Hereditary cancer-predisposing syndrome. Last evaluated: 2025-02-02. Review status: criteria provided, single submitter. Criteria: Ambry Variant Classification Scheme 2023. Collection method: clinical testing. Allele origin: germline.

Myriad Genetics, Inc.
Classification: Benign for Lung cancer. Last evaluated: 2024-10-17. Review status: criteria provided, single submitter. Criteria: Myriad Autosomal Dominant, Autosomal Recessive and X-Linked Classification Criteria (2023). Collection method: clinical testing. Allele origin: unknown.
Comment: This variant is considered benign. This variant is a silent/synonymous amino acid change and it is not expected to impact splicing.

Labcorp Genetics (formerly Invitae), Labcorp
Classification: Likely benign for EGFR-related lung cancer. Last evaluated: 2024-04-03. Review status: criteria provided, single submitter. Criteria: Invitae Variant Classification Sherloc (09022015). Collection method: clinical testing. Allele origin: germline.